The following is an entry in ClinVar:

NM_000271.5(NPC1):c.66A>G (p.Ser22=)

Gene: NPC1 (NPC intracellular cholesterol transporter 1; minus strand). Cytogenetic location: 18q11.2.
Variant type: single nucleotide variant.
Coding change: c.66A>G on transcript NM_000271.5 (MANE Select); coding-DNA position 66, A replaced by G.
Protein change: p.Ser22=; no amino-acid change (serine 22 retained).
Molecular consequence: synonymous variant.
Genome position (GRCh38, 1-based): chr18:23,573,566, T>C on the plus strand (A>G on the coding strand, the complement: NPC1 is on the minus strand). VCF-style: chr18-23573566-T-C. GRCh37 (hg19) VCF-style: chr18-21153530-T-C.
Identifiers: ClinVar variation 255701 (VCV000255701.56), dbSNP rs144415945, ClinGen allele CA8913830.

ClinVar aggregate classification (germline): Conflicting classifications of pathogenicity. Review status: criteria provided, conflicting classifications (1 of 4 stars). 12 submissions from 12 submitters: Uncertain significance (1); Likely benign (7). 4 of the submissions do not count toward it. Last evaluated 2026-01-28.

Conditions:
Inborn genetic diseases. Identifiers: MedGen C0950123, MeSH D030342.
Niemann-Pick disease, type C1. Also called: NEUROVISCERAL STORAGE DISEASE WITH VERTICAL SUPRANUCLEAR OPHTHALMOPLEGIA; NIEMANN-PICK DISEASE WITH CHOLESTEROL ESTERIFICATION BLOCK; NIEMANN-PICK DISEASE WITHOUT SPHINGOMYELINASE DEFICIENCY; NIEMANN-PICK DISEASE, CHRONIC NEURONOPATHIC FORM; NIEMANN-PICK DISEASE, VARIANT TYPE C1. Identifiers: Orphanet 646, MedGen C3179455, MONDO:0009757, OMIM 257220.

Allele frequency attached by ClinVar (database versions not stated): ESP Exome Variant Server 0.00077; gnomAD 0.00099 and 0.00104; ExAC 0.00100; gnomAD exomes 0.00105 and 0.00109; TOPMed 0.00107; 1000 Genomes Project 30x 0.00109; 1000 Genomes Project 0.00120.
gnomAD v4.1: 1,696 of 1,614,158 alleles (0.11%); highest among the groups gnomAD compares: Admixed American, 0.25%; 2 homozygotes.

Submissions (12):

Labcorp Genetics (formerly Invitae), Labcorp
Classification: Likely benign for Niemann-Pick disease, type C1. Last evaluated: 2026-01-28. Review status: criteria provided, single submitter. Criteria: Invitae Variant Classification Sherloc (09022015). Collection method: clinical testing. Allele origin: germline.

Blueprint Genetics
Classification: Likely benign. Last evaluated: 2024-11-23. Review status: criteria provided, single submitter. Criteria: ACMG Guidelines, 2015. Collection method: clinical testing. Allele origin: germline.

CeGaT Center for Human Genetics Tuebingen
Classification: Likely benign. Last evaluated: 2024-06-01. Review status: criteria provided, single submitter. Criteria: CeGaT Center For Human Genetics Tuebingen Variant Classification Criteria Version 2. Collection method: clinical testing. Allele origin: germline. Affected: yes. Observed: 2 variant alleles.
Comment: NPC1: BP4, BP7

Ambry Genetics
Classification: Likely benign for Inborn genetic diseases. Last evaluated: 2022-07-29. Review status: criteria provided, single submitter. Criteria: Ambry Variant Classification Scheme 2023. Collection method: clinical testing. Allele origin: germline.

GeneDx
Classification: Likely benign. Last evaluated: 2021-01-09. Review status: criteria provided, single submitter. Criteria: GeneDx Variant Classification Process June 2021. Collection method: clinical testing. Allele origin: germline. Affected: yes.

Illumina Laboratory Services, Illumina
Classification: Uncertain significance for Niemann-Pick disease type C1. Last evaluated: 2017-04-27. Review status: criteria provided, single submitter. Criteria: ICSL Variant Classification Criteria 13 December 2019. Collection method: clinical testing. Allele origin: germline.

Eurofins Ntd Llc (ga)
Classification: Likely benign. Last evaluated: 2016-08-29. Review status: criteria provided, single submitter. Criteria: EGL Classification Definitions 2015. Collection method: clinical testing. Allele origin: germline. Observed: 2 variant alleles, 2 heterozygotes.

PreventionGenetics, part of Exact Sciences
Classification: Likely benign. Review status: criteria provided, single submitter. Criteria: ACMG Guidelines, 2015. Collection method: clinical testing. Allele origin: germline.

Mayo Clinic Laboratories, Mayo Clinic
Classification: Benign. Last evaluated: 2015-10-23. Review status: no assertion criteria provided. Collection method: clinical testing. Allele origin: unknown. Not counted in ClinVar's aggregate classification.

Clinical Genetics DNA and cytogenetics Diagnostics Lab, Erasmus MC, Erasmus Medical Center
Classification: Likely benign. Review status: no assertion criteria provided. Collection method: clinical testing. Allele origin: germline. Affected: yes. Study: VKGL Data-share Consensus. Not counted in ClinVar's aggregate classification.

Diagnostic Laboratory, Department of Genetics, University Medical Center Groningen
Classification: Likely benign. Review status: no assertion criteria provided. Collection method: clinical testing. Allele origin: germline. Affected: yes. Study: VKGL Data-share Consensus. Not counted in ClinVar's aggregate classification.

Genome Diagnostics Laboratory, Amsterdam University Medical Center
Classification: Likely benign. Review status: no assertion criteria provided. Collection method: clinical testing. Allele origin: germline. Affected: yes. Study: VKGL Data-share Consensus. Not counted in ClinVar's aggregate classification.